The following is an entry in ClinVar:

ClinVar aggregate classification (germline): Uncertain significance (1 of 4 stars; one submission).

Conditions:
Catecholaminergic polymorphic ventricular tachycardia (CVPT). Also called: Catecholamine-induced polymorphic ventricular tachycardia. Identifiers: Orphanet 3286, MedGen C5574922, MONDO:0017990.

Submission:

All of Us Research Program, National Institutes of Health
Classification: Uncertain significance for Catecholaminergic polymorphic ventricular tachycardia. Last evaluated: 2023-08-23. Review status: criteria provided, single submitter. Criteria: ACMG Guidelines, 2015. Collection method: clinical testing. Allele origin: germline. Inheritance: Autosomal dominant inheritance. Observed: 1 variant allele, 1 heterozygote.
Comment: This variant causes a G to C nucleotide substitution at the +4 position of intron 60 of the RYR2 gene. To our knowledge, functional studies have not been reported for this variant. This variant has not been reported in individuals affected with RYR2-related disorders in the literature. This variant has not been identified in the general population by the Genome Aggregation Database (gnomAD). The available evidence is insufficient to determine the role of this variant in disease conclusively. Therefore, this variant is classified as a Variant of Uncertain Significance.

This study involves interpretation of variants in research participants for the purpose of population health screening. Participant phenotype was not available at the time of variant classification. Additional details can be found in publication PMID: 35346344, PMCID: PMC8962531

NM_001035.3(RYR2):c.8830+4G>C

Gene: RYR2 (ryanodine receptor 2; plus strand). Cytogenetic location: 1q43.
Variant type: single nucleotide variant.
Coding change: c.8830+4G>C on transcript NM_001035.3 (MANE Select); 4 bases into the intron after coding-DNA position 8830, G replaced by C.
Molecular consequence: intron variant.
Genome position (GRCh38, 1-based): chr1:237,674,850, G>C. VCF-style: chr1-237674850-G-C. GRCh37 (hg19) VCF-style: chr1-237838150-G-C.
Identifiers: ClinVar variation 3073154 (VCV003073154.1), dbSNP rs772907062, ClinGen allele CA2825000952.
Genomic context (GRCh38, chr1:237,674,850, plus strand): 5'-TCCTCCAACAACTCATTCGCTATGTGGATGAAGCCCATCAGTATATCCTGGAGTTTGGTA[G>C]GTACCATAGTCCCATTGCTAATAGCCCAGTGTTTGTTGTTTTTAATGTTTACAACATCAG-3'